The following is an entry in ClinVar:

NM_000016.6(ACADM):c.455A>G (p.Glu152Gly)

Gene: ACADM (acyl-CoA dehydrogenase medium chain; plus strand). Cytogenetic location: 1p31.1.
Variant type: single nucleotide variant.
Coding change: c.455A>G on transcript NM_000016.6 (MANE Select); coding-DNA position 455, A replaced by G.
Protein change: p.Glu152Gly; replaces glutamic acid 152 with glycine.
Molecular consequence: missense variant. On other transcripts: intron variant (1).
Genome position (GRCh38, 1-based): chr1:75,734,858, A>G. VCF-style: chr1-75734858-A-G. GRCh37 (hg19) VCF-style: chr1-76200543-A-G.
Other names: c.467A>G, p.Glu156Gly (NM_001127328.3); c.347A>G, p.Glu116Gly (NM_001286042.2); c.554A>G, p.Glu185Gly (NM_001286043.2); c.-100+1936A>G (NM_001286044.2); short protein forms E185G, E116G, E152G, E156G.
Identifiers: ClinVar variation 2027022 (VCV002027022.1), dbSNP rs2100371140, ClinGen allele CA340813011.

ClinVar aggregate classification (germline): Uncertain significance (1 of 4 stars; one submission).

Conditions:
Medium-chain acyl-coenzyme A dehydrogenase deficiency (ACADMD). Also called: ACADM DEFICIENCY; MCAD Deficiency; CARNITINE DEFICIENCY SECONDARY TO MEDIUM-CHAIN ACYL-CoA DEHYDROGENASE DEFICIENCY; Medium chain acyl-CoA dehydrogenase deficiency; MCADD; MCADH DEFICIENCY. Identifiers: Orphanet 42, MedGen C0220710, MONDO:0008721, OMIM 201450.

Allele frequency attached by ClinVar (database versions not stated): gnomAD exomes below 0.00001.
gnomAD v4.1: 1 of 1,613,324 alleles (0.000062%); highest among the groups gnomAD compares: Non-Finnish European, 0.000085%; no homozygotes.

Submission:

Labcorp Genetics (formerly Invitae), Labcorp
Classification: Uncertain significance for Medium-chain acyl-coenzyme A dehydrogenase deficiency. Last evaluated: 2022-06-04. Review status: criteria provided, single submitter. Criteria: Invitae Variant Classification Sherloc (09022015). Collection method: clinical testing. Allele origin: germline.
Comment: This sequence change replaces glutamic acid, which is acidic and polar, with glycine, which is neutral and non-polar, at codon 152 of the ACADM protein (p.Glu152Gly). This variant is not present in population databases (gnomAD no frequency). This variant has not been reported in the literature in individuals affected with ACADM-related conditions. Advanced modeling of protein sequence and biophysical properties (such as structural, functional, and spatial information, amino acid conservation, physicochemical variation, residue mobility, and thermodynamic stability) performed at Invitae indicates that this missense variant is expected to disrupt ACADM protein function. Algorithms developed to predict the effect of sequence changes on RNA splicing suggest that this variant may disrupt the consensus splice site. In summary, the available evidence is currently insufficient to determine the role of this variant in disease. Therefore, it has been classified as a Variant of Uncertain Significance.